The following is an entry in ClinVar:

NM_000098.3(CPT2):c.321A>G (p.Lys107=)

Gene: CPT2 (carnitine palmitoyltransferase 2; plus strand). Cytogenetic location: 1p32.3.
Variant type: single nucleotide variant.
Coding change: c.321A>G on transcript NM_000098.3 (MANE Select); coding-DNA position 321, A replaced by G.
Protein change: p.Lys107=; no amino-acid change (lysine 107 retained).
Molecular consequence: synonymous variant.
Genome position (GRCh38, 1-based): chr1:53,202,410, A>G. VCF-style: chr1-53202410-A-G. GRCh37 (hg19) VCF-style: chr1-53668082-A-G.
Other names: c.321A>G, p.Lys107= (NM_001330589.2).
Identifiers: ClinVar variation 704618 (VCV000704618.18), dbSNP rs147846614, ClinGen allele CA858943.

ClinVar aggregate classification (germline): Conflicting classifications of pathogenicity. Review status: criteria provided, conflicting classifications (1 of 4 stars). 5 submissions from 5 submitters: Uncertain significance (1); Likely benign (3). 1 of the submissions does not count toward it. Last evaluated 2026-09-01.

Conditions:
Carnitine palmitoyltransferase II deficiency. Also called: Carnitine Palmitoyltransferase 2 Deficiency. Identifiers: Orphanet 157, MedGen C0342790, MONDO:0015515.

Allele frequency attached by ClinVar (database versions not stated): 1000 Genomes Project 0.00020; ESP Exome Variant Server 0.00023; ExAC 0.00027; gnomAD exomes 0.00027 and 0.00037; 1000 Genomes Project 30x 0.00031; gnomAD 0.00043 and 0.00045; TOPMed 0.00061.

Submissions (5):

CeGaT Center for Human Genetics Tuebingen
Classification: Likely benign. Last evaluated: 2026-09-01. Review status: criteria provided, single submitter. Criteria: CeGaT Center For Human Genetics Tuebingen Variant Classification Criteria Version 2. Collection method: clinical testing. Allele origin: germline. Affected: yes. Observed: 1 variant allele.
Comment: CPT2: BP4, BP7

Labcorp Genetics (formerly Invitae), Labcorp
Classification: Likely benign for Carnitine palmitoyltransferase II deficiency. Last evaluated: 2026-02-01. Review status: criteria provided, single submitter. Criteria: Invitae Variant Classification Sherloc (09022015). Collection method: clinical testing. Allele origin: germline.

Blueprint Genetics
Classification: Likely benign. Last evaluated: 2024-11-13. Review status: criteria provided, single submitter. Criteria: ACMG Guidelines, 2015. Collection method: clinical testing. Allele origin: germline.

Illumina Laboratory Services, Illumina
Classification: Uncertain significance for Carnitine palmitoyltransferase II deficiency. Last evaluated: 2018-01-13. Review status: criteria provided, single submitter. Criteria: ICSL Variant Classification Criteria 13 December 2019. Collection method: clinical testing. Allele origin: germline.

Natera, Inc.
Classification: Uncertain significance for Carnitine palmitoyltransferase II deficiency. Last evaluated: 2019-11-11. Review status: no assertion criteria provided. Collection method: clinical testing. Allele origin: germline. Not counted in ClinVar's aggregate classification.